The following is an entry in ClinVar:

NM_005475.3(SH2B3):c.562G>A (p.Ala188Thr)

Gene: SH2B3 (SH2B adaptor protein 3; plus strand). Cytogenetic location: 12q24.12.
Variant type: single nucleotide variant.
Coding change: c.562G>A on transcript NM_005475.3 (MANE Select); coding-DNA position 562, G replaced by A.
Protein change: p.Ala188Thr; replaces alanine 188 with threonine.
Molecular consequence: missense variant.
Genome position (GRCh38, 1-based): chr12:111,418,707, G>A. VCF-style: chr12-111418707-G-A. GRCh37 (hg19) VCF-style: chr12-111856511-G-A.
Other names: short protein forms A188T.
Identifiers: ClinVar variation 3953560 (VCV003953560.1).

ClinVar aggregate classification (germline): Uncertain significance (1 of 4 stars; one submission).

Conditions:
Inborn genetic diseases. Identifiers: MedGen C0950123, MeSH D030342.

Submission:

Ambry Genetics
Classification: Uncertain significance for Inborn genetic diseases. Last evaluated: 2025-06-06. Review status: criteria provided, single submitter. Criteria: Ambry Variant Classification Scheme 2023. Collection method: clinical testing. Allele origin: germline.
Comment: The p.A188T variant (also known as c.562G>A), located in coding exon 1 of the SH2B3 gene, results from a G to A substitution at nucleotide position 562. The alanine at codon 188 is replaced by threonine, an amino acid with similar properties. This amino acid position is conserved. In addition, this alteration is predicted to be tolerated by in silico analysis. Based on the available evidence, the clinical significance of this variant remains unclear.